The following is an entry in ClinVar:

NM_001252024.2(TRPM1):c.1547C>T (p.Pro516Leu)

Gene: TRPM1 (transient receptor potential cation channel subfamily M member 1; minus strand). Cytogenetic location: 15q13.3.
Variant type: single nucleotide variant.
Coding change: c.1547C>T on transcript NM_001252024.2 (MANE Select); coding-DNA position 1547, C replaced by T.
Protein change: p.Pro516Leu; replaces proline 516 with leucine.
Molecular consequence: missense variant.
Genome position (GRCh38, 1-based): chr15:31,049,400, G>A on the plus strand (C>T on the coding strand, the complement: TRPM1 is on the minus strand). VCF-style: chr15-31049400-G-A. GRCh37 (hg19) VCF-style: chr15-31341603-G-A.
Other names: c.1598C>T, p.Pro533Leu (NM_001252020.2); c.1481C>T, p.Pro494Leu (NM_002420.6); short protein forms P494L, P516L, P533L.
Identifiers: ClinVar variation 1009431 (VCV001009431.6), dbSNP rs1025997168, ClinGen allele CA267480933.

ClinVar aggregate classification (germline): Uncertain significance (1 of 4 stars; one submission).

Allele frequency attached by ClinVar (database versions not stated): gnomAD 0.00001; gnomAD exomes 0.00001 and 0.00002; TOPMed 0.00003.
gnomAD v4.1: 17 of 1,614,002 alleles (0.0011%); highest among the groups gnomAD compares: Admixed American, 0.005%; no homozygotes.

Submission:

Labcorp Genetics (formerly Invitae), Labcorp
Classification: Uncertain significance. Last evaluated: 2022-07-12. Review status: criteria provided, single submitter. Criteria: Invitae Variant Classification Sherloc (09022015). Collection method: clinical testing. Allele origin: germline.
Comment: In summary, the available evidence is currently insufficient to determine the role of this variant in disease. Therefore, it has been classified as a Variant of Uncertain Significance. Algorithms developed to predict the effect of missense changes on protein structure and function are either unavailable or do not agree on the potential impact of this missense change (SIFT: "Deleterious"; PolyPhen-2: "Possibly Damaging"; Align-GVGD: "Class C15"). ClinVar contains an entry for this variant (Variation ID: 1009431). This variant has not been reported in the literature in individuals affected with TRPM1-related conditions. This variant is present in population databases (no rsID available, gnomAD 0.006%). This sequence change replaces proline, which is neutral and non-polar, with leucine, which is neutral and non-polar, at codon 494 of the TRPM1 protein (p.Pro494Leu).